The following is an entry in ClinVar:

NM_024675.4(PALB2):c.1189A>C (p.Thr397Pro)

Gene: PALB2 (partner and localizer of BRCA2; minus strand). Cytogenetic location: 16p12.2.
Variant type: single nucleotide variant.
Coding change: c.1189A>C on transcript NM_024675.4 (MANE Select); coding-DNA position 1189, A replaced by C.
Protein change: p.Thr397Pro; replaces threonine 397 with proline.
Molecular consequence: missense variant.
Genome position (GRCh38, 1-based): chr16:23,635,357, T>G on the plus strand (A>C on the coding strand, the complement: PALB2 is on the minus strand). VCF-style: chr16-23635357-T-G. GRCh37 (hg19) VCF-style: chr16-23646678-T-G.
Other names: short protein forms T397P.
Identifiers: ClinVar variation 818541 (VCV000818541.10), dbSNP rs367578415, ClinGen allele CA395133295.
Genomic context (GRCh38, chr16:23,635,357, plus strand): 5'-ACATGCTTCGTGTTGTTCTAACATAATATTCTGCAGGAAACAGAAGGCCTTCAGGCACTG[T>G]GCAAGAATGTTTTTCTGCAGAAAGAGGAGAGGTTGCTTCCAGGCTAAGACTCTTAGGTTG-3'
Protein context (NP_078951.2, residues 387-407): SPLSAEKHSC[Thr397Pro]VPEGLLFPAE

ClinVar aggregate classification (germline): Uncertain significance. Review status: criteria provided, multiple submitters, no conflicts (2 of 4 stars). 4 submissions from 4 submitters: Uncertain significance (4). Last evaluated 2025-03-08.

Conditions:
Hereditary cancer-predisposing syndrome. Also called: Neoplastic Syndromes, Hereditary; Tumor predisposition; Hereditary Cancer Syndrome; Hereditary neoplastic syndrome. Identifiers: Orphanet 140162, MedGen C0027672, MeSH D009386, MONDO:0015356.
Fanconi anemia complementation group N. Also called: PALB2-Related Fanconi Anemia. Identifiers: Orphanet 84, MedGen C1835817, MONDO:0012565, OMIM 610832. Disease mechanism: loss of function.
Pancreatic cancer, susceptibility to, 3. Identifiers: Orphanet 1333, MedGen C3150547, MONDO:0013236, OMIM 613348.
Familial cancer of breast. Also called: BREAST CANCER, FAMILIAL; hereditary breast carcinoma; Hereditary breast cancer. Identifiers: Orphanet 227535, MedGen C0346153, MONDO:0016419, OMIM 114480. Disease mechanism: loss of function.

Allele frequency attached by ClinVar (database versions not stated): TOPMed 0.00001.
gnomAD v4.1: 4 of 1,613,936 alleles (0.00025%); highest among the groups gnomAD compares: African/African-American, 0.0013%; no homozygotes.

Submissions (4):

Ambry Genetics
Classification: Uncertain significance for Hereditary cancer-predisposing syndrome. Last evaluated: 2025-03-08. Review status: criteria provided, single submitter. Criteria: Ambry Variant Classification Scheme 2023. Collection method: clinical testing. Allele origin: germline.
Comment: The p.T397P variant (also known as c.1189A>C), located in coding exon 4 of the PALB2 gene, results from an A to C substitution at nucleotide position 1189. The threonine at codon 397 is replaced by proline, an amino acid with highly similar properties. This amino acid position is highly conserved in available vertebrate species. In addition, the in silico prediction for this alteration is inconclusive. Since supporting evidence is limited at this time, the clinical significance of this alteration remains unclear.

Blueprint Genetics
Classification: Uncertain significance. Last evaluated: 2023-02-20. Review status: criteria provided, single submitter. Criteria: ACMG Guidelines, 2015. Collection method: clinical testing. Allele origin: germline.

Labcorp Genetics (formerly Invitae), Labcorp
Classification: Uncertain significance for Familial cancer of breast. Last evaluated: 2022-11-19. Review status: criteria provided, single submitter. Criteria: Invitae Variant Classification Sherloc (09022015). Collection method: clinical testing. Allele origin: germline.
Comment: In summary, the available evidence is currently insufficient to determine the role of this variant in disease. Therefore, it has been classified as a Variant of Uncertain Significance. Advanced modeling of protein sequence and biophysical properties (such as structural, functional, and spatial information, amino acid conservation, physicochemical variation, residue mobility, and thermodynamic stability) performed at Invitae indicates that this missense variant is expected to disrupt PALB2 protein function. ClinVar contains an entry for this variant (Variation ID: 818541). This variant has not been reported in the literature in individuals affected with PALB2-related conditions. This variant is not present in population databases (gnomAD no frequency). This sequence change replaces threonine, which is neutral and polar, with proline, which is neutral and non-polar, at codon 397 of the PALB2 protein (p.Thr397Pro).

Fulgent Genetics
Classification: Uncertain significance for Familial cancer of breast; Fanconi anemia complementation group N; Pancreatic cancer, susceptibility to, 3. Last evaluated: 2021-09-14. Review status: criteria provided, single submitter. Criteria: ACMG Guidelines, 2015. Collection method: clinical testing. Allele origin: unknown.